The following is an entry in ClinVar:

ClinVar aggregate classification (germline): Uncertain significance. Review status: criteria provided, multiple submitters, no conflicts (2 of 4 stars). 2 submissions from 2 submitters: Uncertain significance (2). Last evaluated 2025-01-02.

Conditions:
Ataxia-telangiectasia syndrome (AT). Also called: Ataxia-telangiectasia, complementation group E; Ataxia telangiectasia (A-T); LOUIS-BAR SYNDROME; Ataxia-telangiectasia, complementation group D; AT, COMPLEMENTATION GROUP C; Ataxia-telangiectasia. Identifiers: Orphanet 100, MedGen C0004135, MONDO:0008840, OMIM 208900.
Hereditary cancer-predisposing syndrome. Also called: Neoplastic Syndromes, Hereditary; Hereditary neoplastic syndrome; Tumor predisposition; Hereditary Cancer Syndrome. Identifiers: Orphanet 140162, MedGen C0027672, MeSH D009386, MONDO:0015356.

Allele frequency attached by ClinVar (database versions not stated): gnomAD exomes below 0.00001 and 0.00001.
gnomAD v4.1: 7 of 1,604,260 alleles (0.00044%); highest among the groups gnomAD compares: Non-Finnish European, 0.0006%; no homozygotes.

Submissions (2):

Ambry Genetics
Classification: Uncertain significance for Hereditary cancer-predisposing syndrome. Last evaluated: 2025-01-02. Review status: criteria provided, single submitter. Criteria: Ambry Variant Classification Scheme 2023. Collection method: clinical testing. Allele origin: germline.
Comment: The c.4109+3A>G intronic variant results from an A to G substitution 3 nucleotides after coding exon 26 in the ATM gene. This nucleotide position is highly conserved in available vertebrate species. In silico splice site analysis for this alteration is inconclusive. RNA studies have demonstrated that this alteration results in a splice defect; the clinical impact of this abnormal splicing is unknown at this time (Ambry internal data). Since supporting evidence is limited at this time, the clinical significance of this alteration remains unclear.

Labcorp Genetics (formerly Invitae), Labcorp
Classification: Uncertain significance for Ataxia-telangiectasia syndrome. Last evaluated: 2023-09-25. Review status: criteria provided, single submitter. Criteria: Invitae Variant Classification Sherloc (09022015). Collection method: clinical testing. Allele origin: germline.
Comment: In summary, the available evidence is currently insufficient to determine the role of this variant in disease. Therefore, it has been classified as a Variant of Uncertain Significance. Variants that disrupt the consensus splice site are a relatively common cause of aberrant splicing (PMID: 17576681, 9536098). Algorithms developed to predict the effect of sequence changes on RNA splicing suggest that this variant is not likely to affect RNA splicing. This sequence change falls in intron 27 of the ATM gene. It does not directly change the encoded amino acid sequence of the ATM protein. It affects a nucleotide within the consensus splice site. This variant is present in population databases (no rsID available, gnomAD 0.0009%). This variant has not been reported in the literature in individuals affected with ATM-related conditions. ClinVar contains an entry for this variant (Variation ID: 834178).

Literature cited by the submitters: PubMed 17576681 (cited by Labcorp Genetics (formerly Invitae), Labcorp); PubMed 9536098 (cited by Labcorp Genetics (formerly Invitae), Labcorp).

NM_000051.4(ATM):c.4109+3A>G

Gene: ATM (ATM serine/threonine kinase; plus strand). Cytogenetic location: 11q22.3.
Variant type: single nucleotide variant.
Coding change: c.4109+3A>G on transcript NM_000051.4 (MANE Select); 3 bases into the intron after coding-DNA position 4109, A replaced by G.
Molecular consequence: intron variant.
Genome position (GRCh38, 1-based): chr11:108,287,718, A>G. VCF-style: chr11-108287718-A-G. GRCh37 (hg19) VCF-style: chr11-108158445-A-G.
Other names: c.4109+3A>G (NM_001351834.2).
Identifiers: ClinVar variation 834178 (VCV000834178.9), dbSNP rs1388807238, ClinGen allele CA601719836.